The following is an entry in ClinVar:

ClinVar aggregate classification (germline): Benign/Likely benign. Review status: criteria provided, multiple submitters, no conflicts (2 of 4 stars). 10 submissions from 10 submitters: Benign (4); Likely benign (6). Last evaluated 2026-01-08.

Conditions:
TSC2-related disorder. Also called: TSC2-Related Disorders; TSC2-related condition.
Hereditary cancer-predisposing syndrome. Also called: Tumor predisposition; Hereditary neoplastic syndrome; Hereditary Cancer Syndrome; Neoplastic Syndromes, Hereditary. Identifiers: Orphanet 140162, MedGen C0027672, MeSH D009386, MONDO:0015356.
Tuberous sclerosis syndrome (TSC). Also called: Tuberous Sclerosis Complex; Tuberous sclerosis. Identifiers: Orphanet 805, MedGen C0041341, MONDO:0001734.
Tuberous sclerosis 2 (TSC2). Identifiers: Orphanet 805, MedGen C1860707, MONDO:0013199, OMIM 613254.

Allele frequency attached by ClinVar (database versions not stated): 1000 Genomes Project 30x 0.00031; ExAC 0.00007; TOPMed 0.00013; gnomAD 0.00016; 1000 Genomes Project 0.00020; ESP Exome Variant Server 0.00023.
gnomAD v4.1: 54 of 1,613,110 alleles (0.0033%); highest among the groups gnomAD compares: African/African-American, 0.02%; no homozygotes.

Submissions (10):

Labcorp Genetics (formerly Invitae), Labcorp
Classification: Benign for Tuberous sclerosis 2. Last evaluated: 2026-01-08. Review status: criteria provided, single submitter. Criteria: Invitae Variant Classification Sherloc (09022015). Collection method: clinical testing. Allele origin: germline.

CeGaT Center for Human Genetics Tuebingen
Classification: Likely benign. Last evaluated: 2026-01-01. Review status: criteria provided, single submitter. Criteria: CeGaT Center For Human Genetics Tuebingen Variant Classification Criteria Version 2. Collection method: clinical testing. Allele origin: germline. Affected: yes. Observed: 3 variant alleles.
Comment: TSC2: BP4, BP7

PreventionGenetics, part of Exact Sciences
Classification: Likely benign for TSC2-related condition. Last evaluated: 2025-10-22. Review status: criteria provided, single submitter. Criteria: ACMG Guidelines, 2015. Collection method: clinical testing. Allele origin: germline.
Comment: This variant is classified as likely benign based on ACMG/AMP sequence variant interpretation guidelines (Richards et al. 2015 PMID: 25741868, with internal and published modifications).

Myriad Genetics, Inc.
Classification: Benign for Tuberous sclerosis 2. Last evaluated: 2025-05-20. Review status: criteria provided, single submitter. Criteria: Myriad Autosomal Dominant, Autosomal Recessive and X-Linked Classification Criteria (2023). Collection method: clinical testing. Allele origin: unknown.
Comment: This variant is considered benign. This variant is a silent/synonymous amino acid change and it is not expected to impact splicing.

Blueprint Genetics
Classification: Likely benign. Last evaluated: 2024-11-20. Review status: criteria provided, single submitter. Criteria: ACMG Guidelines, 2015. Collection method: clinical testing. Allele origin: germline.

Color Diagnostics, LLC DBA Color Health
Classification: Likely benign for Tuberous sclerosis syndrome. Last evaluated: 2022-09-27. Review status: criteria provided, single submitter. Criteria: ACMG Guidelines, 2015. Collection method: clinical testing. Allele origin: germline.

Genome-Nilou Lab
Classification: Benign for Tuberous sclerosis 2. Last evaluated: 2021-11-07. Review status: criteria provided, single submitter. Criteria: ACMG Guidelines, 2015. Collection method: clinical testing. Allele origin: germline. Affected: no.

GeneDx
Classification: Likely benign. Last evaluated: 2021-09-13. Review status: criteria provided, single submitter. Criteria: GeneDx Variant Classification Process June 2021. Collection method: clinical testing. Allele origin: germline. Affected: yes.

Sema4
Classification: Benign for Hereditary cancer-predisposing syndrome. Last evaluated: 2021-05-20. Review status: criteria provided, single submitter. Criteria: Sema4 Curation Guidelines. Collection method: curation. Allele origin: germline.

Ambry Genetics
Classification: Likely benign for Hereditary cancer-predisposing syndrome. Last evaluated: 2016-11-15. Review status: criteria provided, single submitter. Criteria: Ambry Variant Classification Scheme 2023. Collection method: clinical testing. Allele origin: germline.

NM_000548.5(TSC2):c.2622G>A (p.Pro874=)

Gene: TSC2 (TSC complex subunit 2; plus strand). Cytogenetic location: 16p13.3.
Variant type: single nucleotide variant.
Coding change: c.2622G>A on transcript NM_000548.5 (MANE Select); coding-DNA position 2622, G replaced by A.
Protein change: p.Pro874=; no amino-acid change (proline 874 retained).
Molecular consequence: synonymous variant.
Genome position (GRCh38, 1-based): chr16:2,075,875, G>A. VCF-style: chr16-2075875-G-A. GRCh37 (hg19) VCF-style: chr16-2125876-G-A.
Other names: c.2622G>A, p.Pro874= (NM_001077183.3, NM_001114382.3, NM_001363528.2 and 3 more transcripts); c.2511G>A, p.Pro837= (NM_001318827.2); c.2475G>A, p.Pro825= (NM_001318829.2); c.2022G>A, p.Pro674= (NM_001318831.2); c.2655G>A, p.Pro885= (NM_001318832.2); c.2622G>A (NM_000548.4).
Identifiers: ClinVar variation 413642 (VCV000413642.46), dbSNP rs141486629, ClinGen allele CA040355.